The following is an entry in ClinVar:

ClinVar aggregate classification (germline): Uncertain significance. Review status: criteria provided, multiple submitters, no conflicts (2 of 4 stars). 3 submissions from 3 submitters: Uncertain significance (3). Last evaluated 2026-06-03.

Conditions:
Inborn genetic diseases. Identifiers: MedGen C0950123, MeSH D030342.
Intellectual developmental disorder, autosomal dominant 6, with or without seizures. Also called: GRIN2B-related developmental delay, intellectual disability and autism spectrum disorder; Intellectual disability, autosomal dominant 6. Identifiers: Orphanet 589547, MedGen C3151411, MONDO:0013509, OMIM 613970.
Developmental and epileptic encephalopathy, 27 (DEE27). Also called: GRIN2B-Related Neurodevelopmental Disorder; Epileptic encephalopathy, early infantile, 27. Identifiers: Orphanet 3451, MedGen C4015316, MONDO:0014505, OMIM 616139.

Allele frequency attached by ClinVar (database versions not stated): ExAC 0.00003; gnomAD 0.00001; gnomAD exomes 0.00001.
gnomAD v4.1: 9 of 1,613,996 alleles (0.00056%); highest among the groups gnomAD compares: African/African-American, 0.0013%; no homozygotes.

Submissions (3):

Ambry Genetics
Classification: Uncertain significance for Inborn genetic diseases. Last evaluated: 2026-06-03. Review status: criteria provided, single submitter. Criteria: Ambry Variant Classification Scheme 2023. Collection method: clinical testing. Allele origin: germline.
Comment: The c.3365A>C (p.Y1122S) alteration is located in exon 13 (coding exon 12) of the GRIN2B gene. This alteration results from a A to C substitution at nucleotide position 3365, causing the tyrosine (Y) at amino acid position 1122 to be replaced by a serine (S). Based on data from gnomAD, the C allele has an overall frequency of 0.002% (4/251242) total alleles studied. The highest observed frequency was 0.004% (4/113584) of European (non-Finnish) alleles. Based on insufficient or conflicting evidence, the clinical significance of this alteration remains unclear.

GeneDx
Classification: Uncertain significance. Last evaluated: 2022-11-08. Review status: criteria provided, single submitter. Criteria: GeneDx Variant Classification Process June 2021. Collection method: clinical testing. Allele origin: germline. Affected: yes.
Comment: In silico analysis supports that this missense variant has a deleterious effect on protein structure/function; Has not been previously published as pathogenic or benign to our knowledge

Labcorp Genetics (formerly Invitae), Labcorp
Classification: Uncertain significance for Developmental and epileptic encephalopathy, 27; Intellectual developmental disorder, autosomal dominant 6, with or without seizures. Last evaluated: 2021-01-12. Review status: criteria provided, single submitter. Criteria: Invitae Variant Classification Sherloc (09022015). Collection method: clinical testing. Allele origin: germline.
Comment: In summary, the available evidence is currently insufficient to determine the role of this variant in disease. Therefore, it has been classified as a Variant of Uncertain Significance. Advanced modeling of protein sequence and biophysical properties (such as structural, functional, and spatial information, amino acid conservation, physicochemical variation, residue mobility, and thermodynamic stability) performed at Invitae indicates that this missense variant is not expected to disrupt GRIN2B protein function. This variant has not been reported in the literature in individuals with GRIN2B-related conditions. This variant is present in population databases (rs749285212, ExAC 0.006%). This sequence change replaces tyrosine with serine at codon 1122 of the GRIN2B protein (p.Tyr1122Ser). The tyrosine residue is moderately conserved and there is a large physicochemical difference between tyrosine and serine.

NM_000834.5(GRIN2B):c.3365A>C (p.Tyr1122Ser)

Gene: GRIN2B (glutamate ionotropic receptor NMDA type subunit 2B; minus strand). Cytogenetic location: 12p13.1.
Variant type: single nucleotide variant.
Coding change: c.3365A>C on transcript NM_000834.5 (MANE Select); coding-DNA position 3365, A replaced by C.
Protein change: p.Tyr1122Ser; replaces tyrosine 1122 with serine.
Molecular consequence: missense variant.
Genome position (GRCh38, 1-based): chr12:13,563,873, T>G on the plus strand (A>C on the coding strand, the complement: GRIN2B is on the minus strand). VCF-style: chr12-13563873-T-G. GRCh37 (hg19) VCF-style: chr12-13716807-T-G.
Other names: c.3365A>C (NM_000834.3); short protein forms Y1122S.
Identifiers: ClinVar variation 1401537 (VCV001401537.12), dbSNP rs749285212, ClinGen allele CA6460909.